The following is an entry in ClinVar:

ClinVar aggregate classification (germline): Pathogenic (1 of 4 stars; one submission).

Submission:

GeneDx
Classification: Pathogenic. Last evaluated: 2019-12-04. Review status: criteria provided, single submitter. Criteria: GeneDx Variant Classification Process June 2021. Collection method: clinical testing. Allele origin: germline. Affected: yes.
Comment: Frameshift variant in the C-terminus predicted to result in protein truncation, as the last 150 amino acids are lost and replaced with 186 incorrect amino acids (Stenson et al., 2014; other references); Not observed in large population cohorts (Lek et al., 2016); This variant is associated with the following publications: (PMID: 30746413)

NM_001079668.3(NKX2-1):c.754_755insT (p.Asp252fs)

Genes: NKX2-1 (NK2 homeobox 1; minus strand), SFTA3 (surfactant associated 3; minus strand). Cytogenetic location: 14q13.3.
Variant type: Insertion.
Coding change: c.754_755insT on transcript NM_001079668.3 (MANE Select); coding-DNA positions 754 to 755, T inserted.
Protein change: p.Asp252fs; shifts the reading frame from aspartic acid 252.
Molecular consequence: frameshift variant.
Genome position: GRCh38 VCF-style: chr14-36517729-T-TA. GRCh37 (hg19) VCF-style: chr14-36986934-T-TA.
Other names: c.664_665insT, p.Asp222fs (NM_003317.4); short protein forms D222fs, D252fs.
Identifiers: ClinVar variation 1189930 (VCV001189930.2), dbSNP rs2139407171, ClinGen allele CA2499222623.
Genomic context (GRCh38, chr14:36,517,729, plus strand): 5'-GTGCCCCCGCCGCCCCCGCCGCCGCCGCTGTCCTGCTGCAGTTGCTGCTGCGCCGCCTTG[T>TA]CCTTGGCCTGGCGCTTCATTTTGTAGCGGTGGTTCTGGAACCAGATCTTGACCTGCGTGG-3'